The following is an entry in ClinVar:

NM_001276270.2(MBD4):c.189C>T (p.Pro63=)

Gene: MBD4 (methyl-CpG binding domain 4, DNA glycosylase; minus strand). Cytogenetic location: 3q21.3.
Variant type: single nucleotide variant.
Coding change: c.189C>T on transcript NM_001276270.2 (MANE Select); coding-DNA position 189, C replaced by T.
Protein change: p.Pro63=; no amino-acid change (proline 63 retained).
Molecular consequence: synonymous variant.
Genome position (GRCh38, 1-based): chr3:129,437,866, G>A on the plus strand (C>T on the coding strand, the complement: MBD4 is on the minus strand). VCF-style: chr3-129437866-G-A. GRCh37 (hg19) VCF-style: chr3-129156709-G-A.
Other names: c.189C>T, p.Pro63= (NM_001276271.2, NM_001276272.2, NM_001276273.2 and 1 more transcripts).
Identifiers: ClinVar variation 4624375 (VCV004624375.2).
Genomic context (GRCh38, chr3:129,437,866, plus strand): 5'-ACGGCATTCTGTTCCTGCAGTAGCACCAAACTGAGCAGAAGCGATGGGTTCTTGTAGCAA[G>A]GGATTACATTCACTGCTTCTTTTTATCATCATTTGTTCCTCATCTTCTCCCACTCTTTCC-3'
Protein context (NP_001263199.1, residues 53-73): MMIKRSSECN[Pro63=]LLQEPIASAQ

ClinVar aggregate classification (germline): Benign/Likely benign. Review status: criteria provided, multiple submitters, no conflicts (2 of 4 stars). 2 submissions from 2 submitters: Benign (1); Likely benign (1). Last evaluated 2026-06-09.

Conditions:
Inborn genetic diseases. Identifiers: MedGen C0950123, MeSH D030342.
Tumor predisposition syndrome 2 (TPDS2). Also called: MBD4-ASSOCIATED NEOPLASIA SYNDROME; MBD4-Related Tumor Predisposition Syndrome; MBD4-associated neoplasia syndrome (MANS). Identifiers: Orphanet 661526, MedGen C5774186, MONDO:0859267, OMIM 619975.

Submissions (2):

Myriad Genetics, Inc.
Classification: Benign for Tumor predisposition syndrome 2. Last evaluated: 2026-06-09. Review status: criteria provided, single submitter. Criteria: Myriad Autosomal Dominant, Autosomal Recessive and X-Linked Classification Criteria (2023). Collection method: clinical testing. Allele origin: unknown.
Comment: This variant is considered benign. This variant is a silent/synonymous amino acid change and it is not expected to impact splicing.

Ambry Genetics
Classification: Likely benign for Inborn genetic diseases. Last evaluated: 2025-09-19. Review status: criteria provided, single submitter. Criteria: Ambry Variant Classification Scheme 2023. Collection method: clinical testing. Allele origin: germline.